The following is an entry in ClinVar:

ClinVar aggregate classification (germline): Pathogenic. Review status: reviewed by expert panel (3 of 4 stars). 3 submissions from 3 submitters: Pathogenic (1). 2 of the submissions do not count toward it. Last evaluated 2022-03-25.

Conditions:
Monogenic diabetes. Identifiers: Orphanet 183625, MedGen C3888631, MONDO:0015967.

Submissions (3):

ClinGen Monogenic Diabetes Variant Curation Expert Panel
Classification: Pathogenic for Monogenic diabetes. Last evaluated: 2022-03-25. Review status: reviewed by expert panel. Criteria: ClinGen Diabetes ACMG Specifications v1 1. Collection method: curation. Allele origin: germline. Inheritance: Autosomal dominant inheritance.
Comment: The c.25C>T variant in the HNF1 homeobox A gene, HNF1A, results in a premature termination at codon 9 (p.(Gln9Ter)) of NM_000545.8. This variant, located in biologically-relevant exon 1 of 10, is predicted to lead to nonsense mediated decay in a gene in which loss-of-function is an established disease mechanism (PVS1; PMID: 23348805). This variant is absent from gnomAD v2.1.1 (PM2_Supporting), and was identified in four unrelated individuals with non- autoimmune and non-absolute/near-absolute insulin-deficient diabetes (PS4_Moderate; PMID: 24905847, internal lab contributors). In summary, this variant meets the criteria to be classified as pathogenic for monogenic diabetes. ACMG/AMP criteria applied, as specified by the ClinGen MDEP (specification version 1.1, approved 9/30/2021): PVS1, PM2_Supporting, PS4_Moderate.

Genetic Services Laboratory, University of Chicago
Classification: Pathogenic. Last evaluated: 2024-10-17. Review status: criteria provided, single submitter. Criteria: ACMG Guidelines, 2015. Collection method: clinical testing. Allele origin: germline. Affected: yes. Not counted in ClinVar's aggregate classification.
Comment: DNA sequence analysis of the HNF1A gene demonstrated a sequence change, c.25C>T, which results in the creation of a premature stop codon at amino acid position 9, p.Gln9*. This sequence change is predicted to result in an abnormal transcript, which may be degraded, or may lead to the production of a truncated HNF1A protein with potentially abnormal function. This sequence change has not been described in population databases such as ExAC and gnomAD (dbSNP rs2135819387). This sequence change has previously been described in individuals with suspected MODY (PMID: 24905847). Collectively, this evidence indicates that this sequence change is pathogenic, however functional studies have not been performed to prove this conclusively.

Athena Diagnostics
Classification: Pathogenic. Last evaluated: 2022-03-01. Review status: criteria provided, single submitter. Criteria: Athena Diagnostics Criteria. Collection method: clinical testing. Allele origin: unknown. Not counted in ClinVar's aggregate classification.
Comment: This variant is expected to result in the loss of a functional protein. This variant has been identified in at least one individual with clinical features associated with this gene. This variant has not been reported in large, multi-ethnic general populations.

Literature cited by the submitters: PubMed 22432108 (cited by Athena Diagnostics).

NM_000545.8(HNF1A):c.25C>T (p.Gln9Ter)

Gene: HNF1A (HNF1 homeobox A; plus strand). Cytogenetic location: 12q24.31.
Variant type: single nucleotide variant.
Coding change: c.25C>T on transcript NM_000545.8 (MANE Select); coding-DNA position 25, C replaced by T.
Protein change: p.Gln9Ter; replaces glutamine 9 with a stop codon.
Molecular consequence: nonsense.
Genome position (GRCh38, 1-based): chr12:120,978,793, C>T. VCF-style: chr12-120978793-C-T. GRCh37 (hg19) VCF-style: chr12-121416596-C-T.
Other names: NM_001306179.2:c.25C>T; c.25C>T, p.Gln9Ter (NM_001306179.2); c.25C>T (NM_000545.6); short protein forms Q9*.
Identifiers: ClinVar variation 1675060 (VCV001675060.6), dbSNP rs2135819387, ClinGen allele CA386952304.
Genomic context (GRCh38, chr12:120,978,793, plus strand): 5'-TGGACCCGGGCCGCGTGGCCCTGTGGCAGCCGAGCCATGGTTTCTAAACTGAGCCAGCTG[C>T]AGACGGAGCTCCTGGCGGCCCTGCTCGAGTCAGGGCTGAGCAAAGAGGCACTGATCCAGG-3'